The following is an entry in ClinVar:

ClinVar aggregate classification (germline): Uncertain significance (1 of 4 stars; one submission).

Conditions:
Glycogen storage disease, type II (IOPD). Also called: CARDIOMEGALIA GLYCOGENICA DIFFUSA; Glycogen storage disease type 2; Acid maltase deficiency disease; Aglucosidase alfa; Deficiency of alpha-glucosidase; Deficiency of lysosomal alpha-glucosidase. Identifiers: Orphanet 365, MedGen C0017921, MONDO:0009290, OMIM 232300.

Allele frequency attached by ClinVar (database versions not stated): gnomAD 0.00001.
gnomAD v4.1: 2 of 1,613,240 alleles (0.00012%); highest among the groups gnomAD compares: African/African-American, 0.0027%; no homozygotes.

Submission:

Labcorp Genetics (formerly Invitae), Labcorp
Classification: Uncertain significance for Glycogen storage disease, type II. Last evaluated: 2022-01-28. Review status: criteria provided, single submitter. Criteria: Invitae Variant Classification Sherloc (09022015). Collection method: clinical testing. Allele origin: germline.
Comment: This sequence change replaces glycine, which is neutral and non-polar, with arginine, which is basic and polar, at codon 465 of the GAA protein (p.Gly465Arg). This variant is not present in population databases (gnomAD no frequency). This variant has not been reported in the literature in individuals affected with GAA-related conditions. Advanced modeling of protein sequence and biophysical properties (such as structural, functional, and spatial information, amino acid conservation, physicochemical variation, residue mobility, and thermodynamic stability) performed at Invitae indicates that this missense variant is not expected to disrupt GAA protein function. In summary, the available evidence is currently insufficient to determine the role of this variant in disease. Therefore, it has been classified as a Variant of Uncertain Significance.

NM_000152.5(GAA):c.1393G>C (p.Gly465Arg)

Gene: GAA (alpha glucosidase; plus strand). Cytogenetic location: 17q25.3.
Variant type: single nucleotide variant.
Coding change: c.1393G>C on transcript NM_000152.5 (MANE Select); coding-DNA position 1393, G replaced by C.
Protein change: p.Gly465Arg; replaces glycine 465 with arginine.
Molecular consequence: missense variant.
Genome position (GRCh38, 1-based): chr17:80,110,011, G>C. VCF-style: chr17-80110011-G-C. GRCh37 (hg19) VCF-style: chr17-78083810-G-C.
Other names: c.1393G>C, p.Gly465Arg (NM_001079803.3, NM_001079804.3, NM_001406741.1 and 1 more transcripts); short protein forms G465R.
Identifiers: ClinVar variation 1985857 (VCV001985857.1), dbSNP rs1257379580, ClinGen allele CA401366497.